The following is an entry in ClinVar:

NM_005198.5(CHKB):c.1031+3G>C

Genes: CHKB (choline kinase beta; minus strand), CHKB-CPT1B (CHKB-CPT1B readthrough (NMD candidate); minus strand). Cytogenetic location: 22q13.33.
Variant type: single nucleotide variant.
Coding change: c.1031+3G>C on transcript NM_005198.5 (MANE Select); 3 bases into the intron after coding-DNA position 1031, G replaced by C.
Molecular consequence: intron variant.
Genome position (GRCh38, 1-based): chr22:50,579,724, C>G on the plus strand (G>C on the coding strand, the complement: CHKB is on the minus strand). VCF-style: chr22-50579724-C-G. GRCh37 (hg19) VCF-style: chr22-51018153-C-G.
Identifiers: ClinVar variation 560978 (VCV000560978.15), dbSNP rs751176079, ClinGen allele CA10323536.

ClinVar aggregate classification (germline): Conflicting classifications of pathogenicity. Review status: criteria provided, conflicting classifications (1 of 4 stars). 4 submissions from 4 submitters: Pathogenic (3); Uncertain significance (1). Last evaluated 2025-03-12.

Conditions:
CHKB-related disorder. Also called: CHKB-related condition.
Megaconial type congenital muscular dystrophy (MDCMC). Also called: CHKB-Related Muscle Diseases; CHKB-Related Muscular Dystrophy; MUSCULAR DYSTROPHY, CONGENITAL, WITH MITOCHONDRIAL STRUCTURAL ABNORMALITIES. Identifiers: Orphanet 280671, MedGen C1865233, MONDO:0011246, OMIM 602541.

Allele frequency attached by ClinVar (database versions not stated): TOPMed below 0.00001; ExAC 0.00002; gnomAD exomes 0.00001.
gnomAD v4.1: 10 of 1,613,172 alleles (0.00062%); highest among the groups gnomAD compares: Admixed American, 0.005%; no homozygotes.

Submissions (4):

PreventionGenetics, part of Exact Sciences
Classification: Pathogenic for CHKB-related condition. Last evaluated: 2025-03-12. Review status: criteria provided, single submitter. Criteria: ACMG Guidelines, 2015. Collection method: clinical testing. Allele origin: germline.
Comment: The CHKB c.1031+3G>C variant is predicted to interfere with splicing. This variant has been reported in the homozygous state in an individual with childhood onset progressive muscular dystrophy (Oliveira et al. 2015. PubMed ID: 25740612). In vitro studies using patient's cells showed that this variant leads to aberrant transcripts, abnormal protein expression and no normal transcript production (Oliveira et al. 2015. PubMed ID: 25740612). An alternate splicing change affecting the same splice site (c.1031+1G>A) has been reported in the homozygous state in three individuals affected with muscular dystrophy (Kutluk et al. 2020. PubMed ID: 33623274; Mitsuhashi et al. 2011. PubMed ID: 21665002). This variant is reported in 0.0087% of alleles in individuals of Latino descent in gnomAD. This variant is interpreted as pathogenic.

Labcorp Genetics (formerly Invitae), Labcorp
Classification: Pathogenic for Megaconial type congenital muscular dystrophy. Last evaluated: 2025-03-05. Review status: criteria provided, single submitter. Criteria: Invitae Variant Classification Sherloc (09022015). Collection method: clinical testing. Allele origin: germline.
Comment: This sequence change falls in intron 9 of the CHKB gene. It does not directly change the encoded amino acid sequence of the CHKB protein. RNA analysis indicates that this variant induces altered splicing and likely disrupts the C-terminus of the protein. This variant is present in population databases (rs751176079, gnomAD 0.009%). This variant has been observed in individual(s) with congenital muscular dystrophy (PMID: 25326635, 25740612; internal data). In at least one individual the data is consistent with being in trans (on the opposite chromosome) from a pathogenic variant. ClinVar contains an entry for this variant (Variation ID: 560978). Variants that disrupt the consensus splice site are a relatively common cause of aberrant splicing (PMID: 17576681, 9536098). Studies have shown that this variant results in alternate splicing of exon 9 and introduces a new termination codon (PMID: 25740612). However the mRNA is not expected to undergo nonsense-mediated decay. For these reasons, this variant has been classified as Pathogenic.

Baylor Genetics
Classification: Uncertain significance for Megaconial type congenital muscular dystrophy. Last evaluated: 2017-09-01. Review status: criteria provided, single submitter. Criteria: ACMG Guidelines, 2015. Collection method: clinical testing. Allele origin: germline. Inheritance: Autosomal recessive inheritance. Affected: yes.
Comment: This change, which occurred at the +3 position at the exon/intron junction, might affect mRNA splicing based on in silico predictions.

Clinical Genetics Service, Universitary Hospital 12 de Octubre
Classification: Pathogenic for Megaconial type congenital muscular dystrophy. Review status: criteria provided, single submitter. Criteria: ACMG Guidelines, 2015. Collection method: clinical testing. Allele origin: maternal. Affected: yes.

Literature cited by the submitters: PubMed 25326635 (cited by Labcorp Genetics (formerly Invitae), Labcorp and Baylor Genetics); PubMed 25740612 (cited by Labcorp Genetics (formerly Invitae), Labcorp); PubMed 17576681 (cited by Labcorp Genetics (formerly Invitae), Labcorp); PubMed 9536098 (cited by Labcorp Genetics (formerly Invitae), Labcorp).